The following is an entry in ClinVar:

NM_001375524.1(TRRAP):c.4106C>G (p.Ala1369Gly)

Gene: TRRAP (transformation/transcription domain associated protein; plus strand). Cytogenetic location: 7q22.1.
Variant type: single nucleotide variant.
Coding change: c.4106C>G on transcript NM_001375524.1 (MANE Select); coding-DNA position 4106, C replaced by G.
Protein change: p.Ala1369Gly; replaces alanine 1369 with glycine.
Molecular consequence: missense variant.
Genome position (GRCh38, 1-based): chr7:98,935,670, C>G. VCF-style: chr7-98935670-C-G. GRCh37 (hg19) VCF-style: chr7-98533293-C-G.
Other names: c.4106C>G, p.Ala1369Gly (NM_001244580.2, NM_003496.4); short protein forms A1369G.
Identifiers: ClinVar variation 4540257 (VCV004540257.1).

ClinVar aggregate classification (germline): Uncertain significance (1 of 4 stars; one submission).

Submission:

GeneDx
Classification: Uncertain significance. Last evaluated: 2025-06-23. Review status: criteria provided, single submitter. Criteria: GeneDx Variant Classification Process June 2021. Collection method: clinical testing. Allele origin: germline. Affected: yes.
Comment: Not observed at significant frequency in large population cohorts (gnomAD); In silico analysis supports that this missense variant has a deleterious effect on protein structure/function; Has not been previously published as pathogenic or benign to our knowledge